The following is an entry in ClinVar:

NM_213595.4(ISCU):c.339+6dup

Gene: ISCU (iron-sulfur cluster assembly enzyme; plus strand). Cytogenetic location: 12q23.3.
Variant type: Duplication.
Coding change: c.339+6dup on transcript NM_213595.4 (MANE Select); 6 bases into the intron after coding-DNA position 339, one base duplicated (G; older notation c.339+6dupG).
Molecular consequence: intron variant.
Genome position (GRCh38, 1-based): chr12:108,565,437, G duplicated; the last of 2 consecutive G bases (chr12:108,565,436-108,565,437); duplicating either gives the same sequence. VCF-style (leftmost placement, unchanged base first): chr12-108565435-A-AG. GRCh37 (hg19) VCF-style: chr12-108959211-A-AG.
Other names: c.339+6dupG (NM_213595.3); c.264+6dup (NM_014301.4); c.339+6dup (NM_001320042.1, NM_001301140.1, NM_001301141.1).
Identifiers: ClinVar variation 214552 (VCV000214552.8), dbSNP rs863224043, ClinGen allele CA320580.

ClinVar aggregate classification (germline): Benign. Review status: criteria provided, multiple submitters, no conflicts (2 of 4 stars). 2 submissions from 2 submitters: Benign (2). Last evaluated 2026-02-01.

Submissions (2):

Labcorp Genetics (formerly Invitae), Labcorp
Classification: Benign. Last evaluated: 2026-02-01. Review status: criteria provided, single submitter. Criteria: Invitae Variant Classification Sherloc (09022015). Collection method: clinical testing. Allele origin: germline.

GeneDx
Classification: Benign. Last evaluated: 2014-11-19. Review status: criteria provided, single submitter. Criteria: GeneDx Variant Classification (06012015). Collection method: clinical testing. Allele origin: germline. Affected: yes.
Comment: The variant is found in MITONUC-MITOP panel(s).